The following is an entry in ClinVar:

NM_024298.5(MBOAT7):c.967del (p.Thr323fs)

Gene: MBOAT7 (membrane bound acylglycerophosphatidylinositol O-acyltransferase MBOAT7; minus strand). Cytogenetic location: 19q13.42.
Variant type: Deletion.
Coding change: c.967del on transcript NM_024298.5 (MANE Select); coding-DNA position 967, one base deleted (A; older notation c.967delA).
Protein change: p.Thr323fs; shifts the reading frame from threonine 323.
Molecular consequence: frameshift variant.
Genome position (GRCh38, 1-based): chr19:54,178,829, T deleted on the plus strand (A on the coding strand, the reverse complement: MBOAT7 is on the minus strand). VCF-style (leftmost placement, unchanged base first): chr19-54178828-GT-G. GRCh37 (hg19) VCF-style: chr19-54682545-GT-G.
Other names: c.748del, p.Thr250fs (NM_001146056.3, NM_001146083.3); c.967del, p.Thr323fs (NM_001146082.3); short protein forms T250fs, T323fs.
Identifiers: ClinVar variation 3026780 (VCV003026780.22), dbSNP rs2515145626, ClinGen allele CA2740096970.
Genomic context (GRCh38, chr19:54,178,828, plus strand): 5'-AGGACATAGGAACGGGCAGGTGCGCTCTTGTAGATATACTGCGCCAGCCACCACTGCACC[GT>G]CATGTTCCAGTACCGCATGCCATCGCGCACCCGCACGCAGAAATCTGTGCTGTAGCAGTC-3'

ClinVar aggregate classification (germline): Pathogenic (1 of 4 stars; one submission).

Submission:

CeGaT Center for Human Genetics Tuebingen
Classification: Pathogenic. Last evaluated: 2024-01-01. Review status: criteria provided, single submitter. Criteria: CeGaT Center For Human Genetics Tuebingen Variant Classification Criteria Version 2. Collection method: clinical testing. Allele origin: germline. Affected: yes. Observed: 3 variant alleles.
Comment: MBOAT7: PVS1, PM2